The following is an entry in ClinVar:

NM_004211.5(SLC6A5):c.1675C>T (p.Leu559Phe)

Gene: SLC6A5 (solute carrier family 6 member 5; plus strand). Cytogenetic location: 11p15.1.
Variant type: single nucleotide variant.
Coding change: c.1675C>T on transcript NM_004211.5 (MANE Select); coding-DNA position 1675, C replaced by T.
Protein change: p.Leu559Phe; replaces leucine 559 with phenylalanine.
Molecular consequence: missense variant.
Genome position (GRCh38, 1-based): chr11:20,636,357, C>T. VCF-style: chr11-20636357-C-T. GRCh37 (hg19) VCF-style: chr11-20657903-C-T.
Other names: c.973C>T, p.Leu325Phe (NM_001318369.2); short protein forms L559F, L325F.
Identifiers: ClinVar variation 1362533 (VCV001362533.5), dbSNP rs764223816, ClinGen allele CA5921547.

ClinVar aggregate classification (germline): Uncertain significance (1 of 4 stars; one submission).

Conditions:
Hyperekplexia 3 (HKPX3). Also called: HYPEREKPLEXIA 3, AUTOSOMAL RECESSIVE; HYPEREKPLEXIA 3, AUTOSOMAL DOMINANT. Identifiers: Orphanet 3197, MedGen C3553288, MONDO:0013827, OMIM 614618.

Allele frequency attached by ClinVar (database versions not stated): TOPMed below 0.00001; gnomAD 0.00001; gnomAD exomes 0.00001; ExAC 0.00002.
gnomAD v4.1: 4 of 1,613,962 alleles (0.00025%); highest among the groups gnomAD compares: East Asian, 0.0089%; no homozygotes.

Submission:

Labcorp Genetics (formerly Invitae), Labcorp
Classification: Uncertain significance for Hyperekplexia 3. Last evaluated: 2022-07-19. Review status: criteria provided, single submitter. Criteria: Invitae Variant Classification Sherloc (09022015). Collection method: clinical testing. Allele origin: germline.
Comment: This sequence change replaces leucine, which is neutral and non-polar, with phenylalanine, which is neutral and non-polar, at codon 559 of the SLC6A5 protein (p.Leu559Phe). This variant is present in population databases (rs764223816, gnomAD 0.01%). This variant has not been reported in the literature in individuals affected with SLC6A5-related conditions. ClinVar contains an entry for this variant (Variation ID: 1362533). Advanced modeling of protein sequence and biophysical properties (such as structural, functional, and spatial information, amino acid conservation, physicochemical variation, residue mobility, and thermodynamic stability) performed at Invitae indicates that this missense variant is not expected to disrupt SLC6A5 protein function. In summary, the available evidence is currently insufficient to determine the role of this variant in disease. Therefore, it has been classified as a Variant of Uncertain Significance.